The following is an entry in ClinVar:

NM_031935.3(HMCN1):c.14345G>A (p.Arg4782His)

Gene: HMCN1 (hemicentin 1; plus strand). Cytogenetic location: 1q31.1.
Variant type: single nucleotide variant.
Coding change: c.14345G>A on transcript NM_031935.3 (MANE Select); coding-DNA position 14345, G replaced by A.
Protein change: p.Arg4782His; replaces arginine 4782 with histidine.
Molecular consequence: missense variant.
Genome position (GRCh38, 1-based): chr1:186,145,481, G>A. VCF-style: chr1-186145481-G-A. GRCh37 (hg19) VCF-style: chr1-186114613-G-A.
Other names: short protein forms R4782H.
Identifiers: ClinVar variation 2418251 (VCV002418251.6), dbSNP rs758569536, ClinGen allele CA1294927.
Genomic context (GRCh38, chr1:186,145,481, plus strand): 5'-CTTGGAGTGGCTGGGGAACATGCAGCCGGACGTGTAACGGAGGGCAGATGCGGCGGTACC[G>A]CACATGTGATAACCCTCCTCCCTCCAATGGGGGAAGAGCTTGTGGGGGACCAGACTCCCA-3'
Protein context (NP_114141.2, residues 4772-4792): TCNGGQMRRY[Arg4782His]TCDNPPPSNG

ClinVar aggregate classification (germline): Uncertain significance (1 of 4 stars; one submission).

Allele frequency attached by ClinVar (database versions not stated): ExAC 0.00001; gnomAD 0.00001; gnomAD exomes 0.00001.
gnomAD v4.1: 16 of 1,613,510 alleles (0.00099%); highest among the groups gnomAD compares: Non-Finnish European, 0.0012%; no homozygotes.

Submission:

Labcorp Genetics (formerly Invitae), Labcorp
Classification: Uncertain significance. Last evaluated: 2022-05-21. Review status: criteria provided, single submitter. Criteria: Invitae Variant Classification Sherloc (09022015). Collection method: clinical testing. Allele origin: germline.
Comment: In summary, the available evidence is currently insufficient to determine the role of this variant in disease. Therefore, it has been classified as a Variant of Uncertain Significance. Algorithms developed to predict the effect of missense changes on protein structure and function (SIFT, PolyPhen-2, Align-GVGD) all suggest that this variant is likely to be disruptive. This variant has not been reported in the literature in individuals affected with HMCN1-related conditions. This variant is present in population databases (rs758569536, gnomAD 0.0009%). This sequence change replaces arginine, which is basic and polar, with histidine, which is basic and polar, at codon 4782 of the HMCN1 protein (p.Arg4782His).